The following is an entry in ClinVar:

ClinVar aggregate classification (germline): Uncertain significance. Review status: criteria provided, multiple submitters, no conflicts (2 of 4 stars). 4 submissions from 4 submitters: Uncertain significance (4). Last evaluated 2025-07-24.

Conditions:
Hereditary cancer-predisposing syndrome. Also called: Hereditary Cancer Syndrome; Neoplastic Syndromes, Hereditary; Tumor predisposition; Hereditary neoplastic syndrome. Identifiers: Orphanet 140162, MedGen C0027672, MeSH D009386, MONDO:0015356.
Peutz-Jeghers syndrome (PJS). Also called: POLYPOSIS, HAMARTOMATOUS INTESTINAL; POLYPS-AND-SPOTS SYNDROME; Peutz-Jeghers polyposis; Periorificial lentiginosis syndrome. Identifiers: Orphanet 2869, MedGen C0031269, MeSH D010580, MONDO:0008280, OMIM 175200.

Submissions (4):

Labcorp Genetics (formerly Invitae), Labcorp
Classification: Uncertain significance for Peutz-Jeghers syndrome. Last evaluated: 2025-07-24. Review status: criteria provided, single submitter. Criteria: Invitae Variant Classification Sherloc (09022015). Collection method: clinical testing. Allele origin: germline.
Comment: This sequence change replaces proline, which is neutral and non-polar, with leucine, which is neutral and non-polar, at codon 179 of the STK11 protein (p.Pro179Leu). This variant is not present in population databases (gnomAD no frequency). This variant has not been reported in the literature in individuals affected with STK11-related conditions. ClinVar contains an entry for this variant (Variation ID: 185798). Invitae Evidence Modeling of protein sequence and biophysical properties (such as structural, functional, and spatial information, amino acid conservation, physicochemical variation, residue mobility, and thermodynamic stability) has been performed for this missense variant. However, the output from this modeling did not meet the statistical confidence thresholds required to predict the impact of this variant on STK11 protein function. In summary, the available evidence is currently insufficient to determine the role of this variant in disease. Therefore, it has been classified as a Variant of Uncertain Significance.

All of Us Research Program, National Institutes of Health
Classification: Uncertain significance for Peutz-Jeghers syndrome. Last evaluated: 2024-08-06. Review status: criteria provided, single submitter. Criteria: ACMG Guidelines, 2015. Collection method: clinical testing. Allele origin: germline. Inheritance: Autosomal dominant inheritance. Observed: 1 variant allele, 1 heterozygote.
Comment: This study involves interpretation of variants in research participants for the purpose of population health screening. Participant phenotype was not available at the time of variant classification. Additional details can be found in publication PMID: 35346344, PMCID: PMC8962531

Ambry Genetics
Classification: Uncertain significance for Hereditary cancer-predisposing syndrome. Last evaluated: 2023-04-25. Review status: criteria provided, single submitter. Criteria: Ambry Variant Classification Scheme 2023. Collection method: clinical testing. Allele origin: germline.
Comment: The p.P179L variant (also known as c.536C>T), located in coding exon 4 of the STK11 gene, results from a C to T substitution at nucleotide position 536. The proline at codon 179 is replaced by leucine, an amino acid with similar properties. This amino acid position is highly conserved in available vertebrate species. In addition, this alteration is predicted to be deleterious by in silico analysis. Since supporting evidence is limited at this time, the clinical significance of this alteration remains unclear.

Genome-Nilou Lab
Classification: Uncertain significance for Peutz-Jeghers syndrome. Last evaluated: 2021-07-15. Review status: criteria provided, single submitter. Criteria: ACMG Guidelines, 2015. Collection method: clinical testing. Allele origin: germline. Affected: no.

NM_000455.5(STK11):c.536C>T (p.Pro179Leu)

Gene: STK11 (serine/threonine kinase 11; plus strand). Cytogenetic location: 19p13.3.
Variant type: single nucleotide variant.
Coding change: c.536C>T on transcript NM_000455.5 (MANE Select); coding-DNA position 536, C replaced by T.
Protein change: p.Pro179Leu; replaces proline 179 with leucine.
Molecular consequence: missense variant.
Genome position (GRCh38, 1-based): chr19:1,220,444, C>T. VCF-style: chr19-1220444-C-T. GRCh37 (hg19) VCF-style: chr19-1220443-C-T.
Other names: short protein forms P179L.
Identifiers: ClinVar variation 185798 (VCV000185798.18), dbSNP rs786202466, ClinGen allele CA023066.